The following is an entry in ClinVar:

NM_000091.5(COL4A3):c.4441C>T (p.Arg1481Ter)

Genes: COL4A3 (collagen type IV alpha 3 chain; plus strand), MFF-DT (MFF divergent transcript; minus strand). Cytogenetic location: 2q36.3.
Variant type: single nucleotide variant.
Coding change: c.4441C>T on transcript NM_000091.5 (MANE Select); coding-DNA position 4441, C replaced by T.
Protein change: p.Arg1481Ter; replaces arginine 1481 with a stop codon.
Molecular consequence: nonsense.
Genome position (GRCh38, 1-based): chr2:227,307,898, C>T. VCF-style: chr2-227307898-C-T. GRCh37 (hg19) VCF-style: chr2-228172614-C-T.
Other names: short protein forms R1481*.
Identifiers: ClinVar variation 17484 (VCV000017484.26), dbSNP rs121912824, ClinGen allele CA257967.

ClinVar aggregate classification (germline): Pathogenic. Review status: criteria provided, multiple submitters, no conflicts (2 of 4 stars). 9 submissions from 9 submitters: Pathogenic (7). 2 of the submissions do not count toward it. Last evaluated 2025-12-30.

Conditions:
Autosomal dominant Alport syndrome (ATS3A). Also called: ALPORT SYNDROME 3A, AUTOSOMAL DOMINANT; Alport syndrome dominant type; Renal failure and sensorineural hearing loss. Identifiers: Orphanet 63, Orphanet 88918, MedGen C5882663, MONDO:0007086, OMIM 104200.
Alport syndrome 3b, autosomal recessive. Identifiers: MedGen C5882699, MONDO:0957811, OMIM 620536.
Hematuria, benign familial, 2 (BFH2). Identifiers: MedGen C5830421, MONDO:0958186, OMIM 620320.
Alport syndrome. Also called: Hemorrhagic familial nephritis; Hemorrhagic hereditary nephritis; Congenital hereditary hematuria. Identifiers: Orphanet 63, MedGen C1567741, MONDO:0018965.
Autosomal recessive Alport syndrome (ATS2). Also called: Alport syndrome type 2; COL4A3-Related Nephropathy; COL4A4 Alport Syndrome and Thin Basement Membrane Nephropathy; ALPORT SYNDROME 2, AUTOSOMAL RECESSIVE. Identifiers: Orphanet 63, Orphanet 88919, MedGen C4746745, MONDO:0008762, OMIM 203780.

Allele frequency attached by ClinVar (database versions not stated): ExAC 0.00001; TOPMed 0.00002; gnomAD exomes 0.00001 and below 0.00001; gnomAD 0.00002 and 0.00003.
gnomAD v4.1: 22 of 1,613,924 alleles (0.0014%); highest among the groups gnomAD compares: East Asian, 0.0022%; no homozygotes.

Submissions (9):

3billion
Classification: Pathogenic for Alport syndrome 3b, autosomal recessive. Last evaluated: 2025-12-30. Review status: criteria provided, single submitter. Criteria: ACMG Guidelines, 2015. Collection method: clinical testing. Allele origin: germline. Affected: yes.
Comment: The variant is observed at an extremely low frequency in the gnomAD v4.1.0 dataset (total allele frequency: 0.001%). Predicted Consequence/Location: Stop-gained (nonsense): predicted to result in a loss or disruption of normal protein function through nonsense-mediated decay (NMD) or protein truncation. Multiple pathogenic variants are reported downstream of the variant. The variant has been reported at least twice as pathogenic with clinical assertions and evidence for the classification (ClinVar ID: VCV000017484 /PMID: 7987301 /3billion dataset). Therefore, this variant is classified as Pathogenic according to the recommendation of ACMG/AMP guideline.

Natera, Inc.
Classification: Pathogenic for Alport syndrome. Last evaluated: 2025-03-17. Review status: criteria provided, single submitter. Criteria: Natera Variant Classification Schema (03/2026). Collection method: clinical testing. Allele origin: germline.
Comment: The c.4441C>T variant in COL4A3 is a nonsense variant predicted to introduce a stop codon at amino acid 1481. This variant is expected to result in nonsense mediated decay, truncation, or a dysfunctional protein product. This variant is rare in the general population with a frequency below the threshold expected for the associated phenotype(s). This variant has been observed in one or more individuals affected with the associated recessive disease, as either homozygous or compound heterozygous with a second variant (PMID: 24854265, 14582039, 29854973). Given the available evidence, this variant is classified as Pathogenic.

Labcorp Genetics (formerly Invitae), Labcorp
Classification: Pathogenic. Last evaluated: 2024-08-08. Review status: criteria provided, single submitter. Criteria: Invitae Variant Classification Sherloc (09022015). Collection method: clinical testing. Allele origin: germline.
Comment: This sequence change creates a premature translational stop signal (p.Arg1481*) in the COL4A3 gene. It is expected to result in an absent or disrupted protein product. Loss-of-function variants in COL4A3 are known to be pathogenic (PMID: 8956999, 24854265, 26809805, 27281700). The frequency data for this variant in the population databases is considered unreliable, as metrics indicate poor data quality at this position in the gnomAD database. This premature translational stop signal has been observed in individuals with Alport syndrome (PMID: 9195222, 29854973). ClinVar contains an entry for this variant (Variation ID: 17484). Algorithms developed to predict the effect of sequence changes on RNA splicing suggest that this variant may disrupt the consensus splice site. For these reasons, this variant has been classified as Pathogenic.

GeneDx
Classification: Pathogenic. Last evaluated: 2024-02-05. Review status: criteria provided, single submitter. Criteria: GeneDx Variant Classification Process June 2021. Collection method: clinical testing. Allele origin: germline. Affected: yes.
Comment: Nonsense variant predicted to result in protein truncation or nonsense mediated decay in a gene for which loss of function is a known mechanism of disease; Not observed at significant frequency in large population cohorts (gnomAD); This variant is associated with the following publications: (PMID: 29854973, 7987396, 14582039, 26940125, 31589614, 25525159, 35369551, 33772369, 7987301)

Fulgent Genetics
Classification: Pathogenic for Autosomal dominant Alport syndrome; Hematuria, benign familial, 2; Alport syndrome 3b, autosomal recessive. Last evaluated: 2024-01-13. Review status: criteria provided, single submitter. Criteria: ACMG Guidelines, 2015. Collection method: clinical testing. Allele origin: germline.

Women's Health and Genetics/Laboratory Corporation of America, LabCorp
Classification: Pathogenic for Autosomal recessive Alport syndrome. Last evaluated: 2022-01-26. Review status: criteria provided, single submitter. Criteria: LabCorp Variant Classification Summary - May 2015. Collection method: clinical testing. Allele origin: germline.
Comment: Variant summary: COL4A3 c.4441C>T (p.Arg1481X) results in a premature termination codon, predicted to cause a truncation of the encoded protein or absence of the protein due to nonsense mediated decay, which are commonly known mechanisms for disease. Truncations downstream of this position have been classified as pathogenic by our laboratory. The variant allele was found at a frequency of 4e-06 in 249352 control chromosomes. c.4441C>T has been reported in the literature in individuals affected with Alport Syndrome, Autosomal Recessive (ie. Mochizuki_1994, Vega_2003). Five clinical diagnostic laboratories have submitted clinical-significance assessments for this variant to ClinVar after 2014 without evidence for independent evaluation. All laboratories classified the variant as pathogenic. Based on the evidence outlined above, the variant was classified as pathogenic.

Victorian Clinical Genetics Services, Murdoch Childrens Research Institute
Classification: Pathogenic for Autosomal recessive Alport syndrome. Last evaluated: 2021-05-06. Review status: criteria provided, single submitter. Criteria: ACMG Guidelines, 2015. Collection method: clinical testing. Allele origin: germline. Inheritance: Autosomal recessive inheritance. Affected: no.
Comment: Based on the classification scheme VCGS_Germline_v1.3.4, this variant is classified as Pathogenic. Following criteria are met: 0103 - Dominant negative and loss of function are known mechanisms of disease in this gene and are associated with COL4A3-related nephropathy. Glycine changes that are part of a G-X-Y repeat in the triple helix of a collagen domain are known to have a dominant negative effect (PMID: 12028435). (I) 0108 - This gene is associated with both recessive (Alport syndrome 2 MIM#203780) and dominant disease (Alport syndrome 3 MIM#104200 and benign familial hematuria MIM#141200) (OMIM). (I) 0201 - Variant is predicted to cause nonsense-mediated decay (NMD) and loss of protein (premature termination codon is located at least 54 nucleotides upstream of the final exon-exon junction). (SP) 0251 - This variant is heterozygous. (I) 0304 - Variant is present in gnomAD <0.01 for a recessive condition (v3) (3 heterozygotes, 0 homozygotes). (SP) 0701 - Other loss of function variants comparable to the one identified in this case have very strong previous evidence for pathogenicity (ClinVar). (SP) 0801 - This variant has strong previous evidence of pathogenicity in unrelated individuals. At least 9 patients have been reported to have this variant either as compound heterozygous or homozygous (ClinVar, PMIDs: 26940125; 29854973; 9195222). (SP) Legend: (SP) - Supporting pathogenic, (I) - Information, (SB) - Supporting benign

Counsyl
Classification: Pathogenic for Autosomal recessive Alport syndrome. Last evaluated: 2017-04-26. Review status: no assertion criteria provided. Collection method: clinical testing. Allele origin: unknown. Not counted in ClinVar's aggregate classification.

OMIM
Classification: Pathogenic for ALPORT SYNDROME 2, AUTOSOMAL RECESSIVE. Last evaluated: 1997-01-01. Review status: no assertion criteria provided. Collection method: literature only. Allele origin: germline. Not counted in ClinVar's aggregate classification.

Literature cited by the submitters: PubMed 7987301 (cited by 3 submitters); PubMed 24854265 (cited by Natera, Inc. and Labcorp Genetics (formerly Invitae), Labcorp); PubMed 14582039 (cited by 3 submitters); PubMed 29854973 (cited by 3 submitters); PubMed 8956999 (cited by Labcorp Genetics (formerly Invitae), Labcorp); PubMed 26809805 (cited by Labcorp Genetics (formerly Invitae), Labcorp); PubMed 27281700 (cited by Labcorp Genetics (formerly Invitae), Labcorp); PubMed 9195222 (cited by 3 submitters); PubMed 7987396 (cited by Women's Health and Genetics/Laboratory Corporation of America, LabCorp and OMIM); PubMed 12028435 (cited by Victorian Clinical Genetics Services, Murdoch Childrens Research Institute); PubMed 26940125 (cited by Victorian Clinical Genetics Services, Murdoch Childrens Research Institute); PubMed 1400291 (cited by OMIM).